The following is an entry in ClinVar:

ClinVar aggregate classification (germline): Uncertain significance (1 of 4 stars; one submission).

Conditions:
Hereditary cancer-predisposing syndrome. Also called: Hereditary neoplastic syndrome; Hereditary Cancer Syndrome; Neoplastic Syndromes, Hereditary; Tumor predisposition. Identifiers: Orphanet 140162, MedGen C0027672, MeSH D009386, MONDO:0015356.

Submission:

Ambry Genetics
Classification: Uncertain significance for Hereditary cancer-predisposing syndrome. Last evaluated: 2020-06-11. Review status: criteria provided, single submitter. Criteria: Ambry Variant Classification Scheme 2023. Collection method: clinical testing. Allele origin: germline.
Comment: The p.R346L variant (also known as c.1037G>T), located in coding exon 9 of the CHEK2 gene, results from a G to T substitution at nucleotide position 1037. The arginine at codon 346 is replaced by leucine, an amino acid with dissimilar properties. This alteration has been reported as an uncertain variant in a cohort of 882 Chinese individuals considered high risk for Hereditary Breast and Ovarian Cancer Syndrome (Shao D et al. Cancer Sci., 2020 Feb;111:647-657). This amino acid position is highly conserved in available vertebrate species. In addition, this alteration is predicted to be deleterious by in silico analysis. Since supporting evidence is limited at this time, the clinical significance of this alteration remains unclear.

Literature cited by the submitters: PubMed 20967229; PubMed 21244692; PubMed 25382819; PubMed 31398194; PubMed 31742824.

NM_007194.4(CHEK2):c.1037G>T (p.Arg346Leu)

Gene: CHEK2 (checkpoint kinase 2; minus strand). Cytogenetic location: 22q12.1.
Variant type: single nucleotide variant.
Coding change: c.1037G>T on transcript NM_007194.4 (MANE Select); coding-DNA position 1037, G replaced by T.
Protein change: p.Arg346Leu; replaces arginine 346 with leucine.
Molecular consequence: missense variant. On other transcripts: intron variant (3).
Genome position (GRCh38, 1-based): chr22:28,696,959, C>A on the plus strand (G>T on the coding strand, the complement: CHEK2 is on the minus strand). VCF-style: chr22-28696959-C-A. GRCh37 (hg19) VCF-style: chr22-29092947-C-A.
Other names: c.1166G>T, p.Arg389Leu (NM_001005735.3); c.374G>T, p.Arg125Leu (NM_001257387.3, NM_001437942.1); c.836G>T, p.Arg279Leu (NM_001349956.3); c.1130G>T, p.Arg377Leu (NM_001438293.1); c.1009-1086G>T (NM_145862.3); c.1102-1086G>T (NM_001438295.1); c.1138-1086G>T (NM_001438294.1); short protein forms R346L, R125L, R279L, R389L, R377L.
Identifiers: ClinVar variation 229870 (VCV000229870.5), dbSNP rs730881688, ClinGen allele CA10581058.